The following is an entry in ClinVar:

NM_007118.4(TRIO):c.8501G>A (p.Arg2834His)

Gene: TRIO (trio Rho guanine nucleotide exchange factor; plus strand). Cytogenetic location: 5p15.2.
Variant type: single nucleotide variant.
Coding change: c.8501G>A on transcript NM_007118.4 (MANE Select); coding-DNA position 8501, G replaced by A.
Protein change: p.Arg2834His; replaces arginine 2834 with histidine.
Molecular consequence: missense variant. On other transcripts: non-coding transcript variant (1).
Genome position (GRCh38, 1-based): chr5:14,504,482, G>A. VCF-style: chr5-14504482-G-A. GRCh37 (hg19) VCF-style: chr5-14504591-G-A.
Other names: short protein forms R2834H.
Identifiers: ClinVar variation 1335577 (VCV001335577.36), dbSNP rs1219411556, ClinGen allele CA359240076.

ClinVar aggregate classification (germline): Uncertain significance. Review status: criteria provided, multiple submitters, no conflicts (2 of 4 stars). 2 submissions from 2 submitters: Uncertain significance (2). Last evaluated 2022-06-20.

Allele frequency attached by ClinVar (database versions not stated): gnomAD 0.00001; TOPMed 0.00002.
gnomAD v4.1: 7 of 1,613,938 alleles (0.00043%); highest among the groups gnomAD compares: East Asian, 0.0022%; no homozygotes.

Submissions (2):

GeneDx
Classification: Uncertain significance. Last evaluated: 2022-06-20. Review status: criteria provided, single submitter. Criteria: GeneDx Variant Classification Process June 2021. Collection method: clinical testing. Allele origin: germline. Affected: yes.
Comment: Not observed at significant frequency in large population cohorts (gnomAD); In silico analysis supports that this missense variant has a deleterious effect on protein structure/function; Has not been previously published as pathogenic or benign to our knowledge

CeGaT Center for Human Genetics Tuebingen
Classification: Uncertain significance. Last evaluated: 2021-12-01. Review status: criteria provided, single submitter. Criteria: CeGaT Center For Human Genetics Tuebingen Variant Classification Criteria Version 2. Collection method: clinical testing. Allele origin: germline. Affected: yes. Observed: 1 variant allele.